The following is an entry in ClinVar:

ClinVar aggregate classification (germline): Benign/Likely benign. Review status: criteria provided, multiple submitters, no conflicts (2 of 4 stars). 7 submissions from 7 submitters: Benign (6); Likely benign (1). Last evaluated 2026-02-04.

Conditions:
Diamond-Blackfan anemia 8 (DBA8). Also called: RPS7-Related Diamond-Blackfan Anemia. Identifiers: Orphanet 124, MedGen C2675511, MONDO:0012939, OMIM 612563.

Allele frequency attached by ClinVar (database versions not stated): ExAC 0.12025; gnomAD 0.12788 and 0.12923; TOPMed 0.12930; 1000 Genomes Project 30x 0.13070; 1000 Genomes Project 0.13339; ESP Exome Variant Server 0.13942.
gnomAD v4.1: 179,280 of 1,539,192 alleles (12%); highest among the groups gnomAD compares: East Asian, 22%; 11,415 homozygotes.

Submissions 1 to 30 of 64:

Labcorp Genetics (formerly Invitae), Labcorp
Classification: Benign for Diamond-Blackfan anemia 8. Last evaluated: 2026-02-04. Review status: criteria provided, single submitter. Criteria: Invitae Variant Classification Sherloc (09022015). Collection method: clinical testing. Allele origin: germline.

ARUP Laboratories, Molecular Genetics and Genomics, ARUP Laboratories
Classification: Benign for Diamond-Blackfan anemia 8. Last evaluated: 2025-07-02. Review status: criteria provided, single submitter. Criteria: ARUP Molecular Germline Variant Investigation Process 2024. Collection method: clinical testing. Allele origin: germline.

Blueprint Genetics
Classification: Likely benign. Last evaluated: 2024-11-26. Review status: criteria provided, single submitter. Criteria: ACMG Guidelines, 2015. Collection method: clinical testing. Allele origin: germline.

Genome-Nilou Lab
Classification: Benign for Diamond-Blackfan anemia 8. Last evaluated: 2021-11-07. Review status: criteria provided, single submitter. Criteria: ACMG Guidelines, 2015. Collection method: clinical testing. Allele origin: germline. Affected: no.

Illumina Laboratory Services, Illumina
Classification: Benign for Diamond-Blackfan anemia 8. Last evaluated: 2018-01-12. Review status: criteria provided, single submitter. Criteria: ICSL Variant Classification Criteria 13 December 2019. Collection method: clinical testing. Allele origin: germline.
Comment: This variant was observed in the ICSL laboratory as part of a predisposition screen in an ostensibly healthy population. It had not been previously curated by ICSL or reported in the Human Gene Mutation Database (HGMD: prior to June 1st, 2018), and was therefore a candidate for classification through an automated scoring system. Utilizing variant allele frequency, disease prevalence and penetrance estimates, and inheritance mode, an automated score was calculated to assess if this variant is too frequent to cause the disease. Based on the score and internal cut-off values, a variant classified as benign is not then subjected to further curation. The score for this variant resulted in a classification of benign for this disease.

GeneDx
Classification: Benign. Last evaluated: 2017-04-05. Review status: criteria provided, single submitter. Criteria: GeneDx Variant Classification (06012015). Collection method: clinical testing. Allele origin: germline. Affected: yes.
Comment: This variant is considered likely benign or benign based on one or more of the following criteria: it is a conservative change, it occurs at a poorly conserved position in the protein, it is predicted to be benign by multiple in silico algorithms, and/or has population frequency not consistent with disease.

Breakthrough Genomics
Classification: Benign. Review status: criteria provided, single submitter. Criteria: ACMG Guidelines, 2015. Collection method: not provided. Allele origin: germline. Inheritance: Autosomal dominant inheritance. Affected: yes.

Dr. Peter K. Rogan Lab, Western University
No classification provided (evidence only). Condition: Familial cancer of breast. Review status: no classification provided. Collection method: in vitro. Allele origin: not applicable. Functional consequence: retained intron. Not counted in ClinVar's aggregate classification.

Dr. Peter K. Rogan Lab, Western University
No classification provided (evidence only). Condition: Familial cancer of breast. Review status: no classification provided. Collection method: in vitro. Allele origin: not applicable. Functional consequence: retained intron. Not counted in ClinVar's aggregate classification.

Dr. Peter K. Rogan Lab, Western University
No classification provided (evidence only). Condition: Malignant lymphoma, large B-cell, diffuse. Review status: no classification provided. Collection method: in vitro. Allele origin: not applicable. Functional consequence: retained intron. Not counted in ClinVar's aggregate classification.

Dr. Peter K. Rogan Lab, Western University
No classification provided (evidence only). Condition: Malignant lymphoma, large B-cell, diffuse. Review status: no classification provided. Collection method: in vitro. Allele origin: not applicable. Functional consequence: retained intron. Not counted in ClinVar's aggregate classification.

Dr. Peter K. Rogan Lab, Western University
No classification provided (evidence only). Condition: Malignant lymphoma, large B-cell, diffuse. Review status: no classification provided. Collection method: in vitro. Allele origin: not applicable. Functional consequence: retained intron. Not counted in ClinVar's aggregate classification.

Dr. Peter K. Rogan Lab, Western University
No classification provided (evidence only). Condition: Malignant lymphoma, large B-cell, diffuse. Review status: no classification provided. Collection method: in vitro. Allele origin: not applicable. Functional consequence: retained intron. Not counted in ClinVar's aggregate classification.

Dr. Peter K. Rogan Lab, Western University
No classification provided (evidence only). Condition: Malignant lymphoma, large B-cell, diffuse. Review status: no classification provided. Collection method: in vitro. Allele origin: not applicable. Functional consequence: retained intron. Not counted in ClinVar's aggregate classification.

Dr. Peter K. Rogan Lab, Western University
No classification provided (evidence only). Condition: Malignant lymphoma, large B-cell, diffuse. Review status: no classification provided. Collection method: in vitro. Allele origin: not applicable. Functional consequence: retained intron. Not counted in ClinVar's aggregate classification.

Dr. Peter K. Rogan Lab, Western University
No classification provided (evidence only). Condition: Uterine carcinosarcoma. Review status: no classification provided. Collection method: in vitro. Allele origin: not applicable. Functional consequence: retained intron. Not counted in ClinVar's aggregate classification.

Dr. Peter K. Rogan Lab, Western University
No classification provided (evidence only). Condition: Uterine carcinosarcoma. Review status: no classification provided. Collection method: in vitro. Allele origin: not applicable. Functional consequence: retained intron. Not counted in ClinVar's aggregate classification.

Dr. Peter K. Rogan Lab, Western University
No classification provided (evidence only). Condition: Uterine carcinosarcoma. Review status: no classification provided. Collection method: in vitro. Allele origin: not applicable. Functional consequence: retained intron. Not counted in ClinVar's aggregate classification.

Dr. Peter K. Rogan Lab, Western University
No classification provided (evidence only). Condition: Uterine carcinosarcoma. Review status: no classification provided. Collection method: in vitro. Allele origin: not applicable. Functional consequence: retained intron. Not counted in ClinVar's aggregate classification.

Dr. Peter K. Rogan Lab, Western University
No classification provided (evidence only). Condition: Uterine carcinosarcoma. Review status: no classification provided. Collection method: in vitro. Allele origin: not applicable. Functional consequence: retained intron. Not counted in ClinVar's aggregate classification.

Dr. Peter K. Rogan Lab, Western University
No classification provided (evidence only). Condition: Uterine carcinosarcoma. Review status: no classification provided. Collection method: in vitro. Allele origin: not applicable. Functional consequence: retained intron. Not counted in ClinVar's aggregate classification.

Dr. Peter K. Rogan Lab, Western University
No classification provided (evidence only). Condition: Uterine carcinosarcoma. Review status: no classification provided. Collection method: in vitro. Allele origin: not applicable. Functional consequence: retained intron. Not counted in ClinVar's aggregate classification.

Dr. Peter K. Rogan Lab, Western University
No classification provided (evidence only). Condition: Uterine carcinosarcoma. Review status: no classification provided. Collection method: in vitro. Allele origin: not applicable. Functional consequence: retained intron. Not counted in ClinVar's aggregate classification.

Dr. Peter K. Rogan Lab, Western University
No classification provided (evidence only). Condition: Uveal melanoma. Review status: no classification provided. Collection method: in vitro. Allele origin: not applicable. Functional consequence: retained intron. Not counted in ClinVar's aggregate classification.

Dr. Peter K. Rogan Lab, Western University
No classification provided (evidence only). Condition: Uveal melanoma. Review status: no classification provided. Collection method: in vitro. Allele origin: not applicable. Functional consequence: retained intron. Not counted in ClinVar's aggregate classification.

Dr. Peter K. Rogan Lab, Western University
No classification provided (evidence only). Condition: Uveal melanoma. Review status: no classification provided. Collection method: in vitro. Allele origin: not applicable. Functional consequence: retained intron. Not counted in ClinVar's aggregate classification.

Dr. Peter K. Rogan Lab, Western University
No classification provided (evidence only). Condition: Uveal melanoma. Review status: no classification provided. Collection method: in vitro. Allele origin: not applicable. Functional consequence: retained intron. Not counted in ClinVar's aggregate classification.

Dr. Peter K. Rogan Lab, Western University
No classification provided (evidence only). Condition: Uveal melanoma. Review status: no classification provided. Collection method: in vitro. Allele origin: not applicable. Functional consequence: retained intron. Not counted in ClinVar's aggregate classification.

Dr. Peter K. Rogan Lab, Western University
No classification provided (evidence only). Condition: Uveal melanoma. Review status: no classification provided. Collection method: in vitro. Allele origin: not applicable. Functional consequence: retained intron. Not counted in ClinVar's aggregate classification.

Dr. Peter K. Rogan Lab, Western University
No classification provided (evidence only). Condition: Uveal melanoma. Review status: no classification provided. Collection method: in vitro. Allele origin: not applicable. Functional consequence: retained intron. Not counted in ClinVar's aggregate classification.

NM_001011.4(RPS7):c.508-12C>A

Gene: RPS7 (ribosomal protein S7; plus strand). Cytogenetic location: 2p25.3.
Variant type: single nucleotide variant.
Coding change: c.508-12C>A on transcript NM_001011.4 (MANE Select); 12 bases into the intron before coding-DNA position 508, C replaced by A.
Molecular consequence: intron variant.
Genome position (GRCh38, 1-based): chr2:3,580,793, C>A. VCF-style: chr2-3580793-C-A. GRCh37 (hg19) VCF-style: chr2-3628383-C-A.
Other names: c.508-12C>A (LRG_1148t1).
Identifiers: ClinVar variation 335905 (VCV000335905.19), dbSNP rs2071639, ClinGen allele CA1516719.